The following is an entry in ClinVar:

ClinVar aggregate classification (germline): Uncertain significance (1 of 4 stars; one submission).

Submission:

Ambry Genetics
Classification: Uncertain significance. Last evaluated: 2023-09-07. Review status: criteria provided, single submitter. Criteria: Ambry Variant Classification Scheme 2023. Collection method: clinical testing. Allele origin: germline.
Comment: The p.A17V variant (also known as c.50C>T), located in coding exon 1 of the FAM175A gene, results from a C to T substitution at nucleotide position 50. The alanine at codon 17 is replaced by valine, an amino acid with similar properties. This amino acid position is conserved. In addition, this alteration is predicted to be tolerated by in silico analysis. Since supporting evidence is limited at this time, the clinical significance of this alteration remains unclear.

NM_139076.3(ABRAXAS1):c.50C>T (p.Ala17Val)

Genes: ABRAXAS1 (abraxas 1, BRCA1 A complex subunit; minus strand), LOC129992784 (ATAC-STARR-seq lymphoblastoid silent region 15542; plus strand). Cytogenetic location: 4q21.23.
Variant type: single nucleotide variant.
Coding change: c.50C>T on transcript NM_139076.3 (MANE Select); coding-DNA position 50, C replaced by T.
Protein change: p.Ala17Val; replaces alanine 17 with valine.
Molecular consequence: missense variant. On other transcripts: 5 prime UTR variant (1).
Genome position (GRCh38, 1-based): chr4:83,485,023, G>A on the plus strand (C>T on the coding strand, the complement: ABRAXAS1 is on the minus strand). VCF-style: chr4-83485023-G-A. GRCh37 (hg19) VCF-style: chr4-84406176-G-A.
Other names: c.-211C>T (NM_001345962.2); short protein forms A17V.
Identifiers: ClinVar variation 2625949 (VCV002625949.2), dbSNP rs2529472800, ClinGen allele CA357263985.
Genomic context (GRCh38, chr4:83,485,023, plus strand): 5'-CCCCGCCCCGTCCCTCGGCTCACCGTGTCCGAGTCCGTGTTGAGGTGCTGGAAAGCGAGT[G>A]CGCCGAGCACAAAGCCCGAGAGCACCGCCGACGTACTCTCCCCCTCCATGCTACCGCCGC-3'
Protein context (NP_620775.2, residues 7-27): SAVLSGFVLG[Ala17Val]LAFQHLNTDS